The following is an entry in ClinVar:

ClinVar aggregate classification (germline): Pathogenic (1 of 4 stars; one submission).

Submission:

ISCA site 17
Classification: Pathogenic. Last evaluated: 2011-08-12. Review status: criteria provided, single submitter. Criteria: Kaminsky et al. (Genet Med. 2011). Collection method: clinical testing. Allele origin: unknown. Affected: yes. Observed: 1 variant allele.
Comment: Copy number variation identified through the course of routine clinical cytogenomic testing in postnatal populations. Clinical assertions have been curated as described in Kaminsky et al. 2011.

GRCh38/hg38 22q11.21(chr22:18339130-21151269)x1

Genes: AIFM3 (AIF family member 3; plus strand), ARVCF (ARVCF delta catenin family member; minus strand), C22orf39 (chromosome 22 open reading frame 39; minus strand), CCDC188 (coiled-coil domain containing 188; minus strand), CDC45 (cell division cycle 45; plus strand) and 185 more. Cytogenetic location: 22q11.21.
Variant type: copy number loss.
Change: copy number 1 (one copy instead of two) of chr22:18,339,130-21,151,269 (2.81 Mb, GRCh38 coordinates, 1-based), cytogenetic band 22q11.21.
Identifiers: ClinVar variation 59201 (VCV000059201.1).